The following is an entry in ClinVar:

NM_001349338.3(FOXP1):c.1476T>A (p.Tyr492Ter)

Genes: FOXP1 (forkhead box P1; minus strand), LOC126806714 (BRD4-independent group 4 enhancer GRCh37_chr3:71025197-71026396; plus strand). Cytogenetic location: 3p13.
Variant type: single nucleotide variant.
Coding change: c.1476T>A on transcript NM_001349338.3 (MANE Select); coding-DNA position 1476, T replaced by A.
Protein change: p.Tyr492Ter; replaces tyrosine 492 with a stop codon.
Molecular consequence: nonsense. On other transcripts: non-coding transcript variant (2).
Genome position (GRCh38, 1-based): chr3:70,976,995, A>T on the plus strand (T>A on the coding strand, the complement: FOXP1 is on the minus strand). VCF-style: chr3-70976995-A-T. GRCh37 (hg19) VCF-style: chr3-71026146-A-T.
Other names: c.1473T>A, p.Tyr491Ter (NM_001244808.3, NM_001349341.3); c.1476T>A, p.Tyr492Ter (NM_001244810.2, NM_001244814.3, NM_001244816.2 and 2 more transcripts); c.1248T>A, p.Tyr416Ter (NM_001244812.3); c.1176T>A, p.Tyr392Ter (NM_001244813.3, NM_001244815.2, NM_001349342.3); c.1173T>A, p.Tyr391Ter (NM_001349337.2, NM_001349343.3, NM_001349344.3 and 1 more transcripts); short protein forms Y492*, Y392*, Y491*, Y391*, Y416*.
Identifiers: ClinVar variation 620514 (VCV000620514.1), dbSNP rs1559616778, ClinGen allele CA353492918.
Genomic context (GRCh38, chr3:70,976,995, plus strand): 5'-GCTTACCTTCCACGTGGCCGCGTTGCGTCGGAAGTAAGCAAACATTCGTGTGAACCAGTT[A>T]TAGATCTCATTTAGTGTTAGCTGCTTTTCTGGAGATTCGAGAATGGCCTGTGAAGCAGAA-3'

ClinVar aggregate classification (germline): Pathogenic (1 of 4 stars; one submission).

Submission:

GeneDx
Classification: Pathogenic. Last evaluated: 2019-01-07. Review status: criteria provided, single submitter. Criteria: GeneDx Variant Classification (06012015). Collection method: clinical testing. Allele origin: germline. Affected: yes.
Comment: The Y492X variant in the FOXP1 gene has not been reported previously as a pathogenic variant nor as a benign variant, to our knowledge. This variant is predicted to cause loss of normal protein function either through protein truncation or nonsense-mediated mRNA decay. The Y492X variant is not observed in large population cohorts (Lek et al., 2016). We interpret Y492X as a pathogenic variant.